The following is an entry in ClinVar:

NM_001199138.2(NLRC4):c.2369T>C (p.Leu790Pro)

Gene: NLRC4 (NLR family CARD domain containing 4; minus strand). Cytogenetic location: 2p22.3.
Variant type: single nucleotide variant.
Coding change: c.2369T>C on transcript NM_001199138.2 (MANE Select); coding-DNA position 2369, T replaced by C.
Protein change: p.Leu790Pro; replaces leucine 790 with proline.
Molecular consequence: missense variant.
Genome position (GRCh38, 1-based): chr2:32,238,284, A>G on the plus strand (T>C on the coding strand, the complement: NLRC4 is on the minus strand). VCF-style: chr2-32238284-A-G. GRCh37 (hg19) VCF-style: chr2-32463353-A-G.
Other names: c.2369T>C, p.Leu790Pro (NM_001199139.2, NM_021209.5); c.374T>C, p.Leu125Pro (NM_001302504.2); short protein forms L125P, L790P.
Identifiers: ClinVar variation 946601 (VCV000946601.12), dbSNP rs202095832, ClinGen allele CA1601806.
Genomic context (GRCh38, chr2:32,238,284, plus strand): 5'-TAATCCATTCCCTCTCCAATGTCAGACAAGTGGGTCAAATGAAATAAACACATCTTCTTC[A>G]GGTTTTTCAGGCCTTCAGCTGAAAAATGATAGAAAGGAATGCATTAGGATACCAAGTTAA-3'
Protein context (NP_001186067.1, residues 780-800): AIKLAEGLKN[Leu790Pro]KKMCLFHLTH

ClinVar aggregate classification (germline): Conflicting classifications of pathogenicity. Review status: criteria provided, conflicting classifications (1 of 4 stars). 3 submissions from 3 submitters: Uncertain significance (2); Likely benign (1). Last evaluated 2025-08-09.

Conditions:
Periodic fever-infantile enterocolitis-autoinflammatory syndrome. Also called: Autoinflammation with infantile enterocolitis. Identifiers: Orphanet 436166, MedGen C4015067, MONDO:0014472, OMIM 616050.
Familial cold autoinflammatory syndrome 4 (FCAS4). Identifiers: Orphanet 47045, Orphanet 576349, MedGen C4015276, MONDO:0014498, OMIM 616115.

Allele frequency attached by ClinVar (database versions not stated): gnomAD exomes 0.00002 and 0.00004; ExAC 0.00003; 1000 Genomes Project 30x 0.00016; gnomAD 0.00019 and 0.00020; 1000 Genomes Project 0.00020; ESP Exome Variant Server 0.00023; TOPMed 0.00026.
gnomAD v4.1: 58 of 1,610,778 alleles (0.0036%); highest among the groups gnomAD compares: African/African-American, 0.076%; no homozygotes.

Submissions (3):

Labcorp Genetics (formerly Invitae), Labcorp
Classification: Uncertain significance for Periodic fever-infantile enterocolitis-autoinflammatory syndrome; Familial cold autoinflammatory syndrome 4. Last evaluated: 2025-08-09. Review status: criteria provided, single submitter. Criteria: Invitae Variant Classification Sherloc (09022015). Collection method: clinical testing. Allele origin: germline.
Comment: This sequence change replaces leucine, which is neutral and non-polar, with proline, which is neutral and non-polar, at codon 790 of the NLRC4 protein (p.Leu790Pro). This variant is present in population databases (rs202095832, gnomAD 0.06%), and has an allele count higher than expected for a pathogenic variant. This variant has not been reported in the literature in individuals affected with NLRC4-related conditions. ClinVar contains an entry for this variant (Variation ID: 946601). Invitae Evidence Modeling of protein sequence and biophysical properties (such as structural, functional, and spatial information, amino acid conservation, physicochemical variation, residue mobility, and thermodynamic stability) indicates that this missense variant is expected to disrupt NLRC4 protein function with a positive predictive value of 80%. In summary, the available evidence is currently insufficient to determine the role of this variant in disease. Therefore, it has been classified as a Variant of Uncertain Significance.

Blueprint Genetics
Classification: Likely benign. Last evaluated: 2023-05-26. Review status: criteria provided, single submitter. Criteria: ACMG Guidelines, 2015. Collection method: clinical testing. Allele origin: germline.

Center for Genomics, Ann and Robert H. Lurie Children's Hospital of Chicago
Classification: Uncertain significance for Familial cold autoinflammatory syndrome 4; Periodic fever-infantile enterocolitis-autoinflammatory syndrome. Review status: criteria provided, single submitter. Criteria: ACMG Guidelines, 2015. Collection method: clinical testing. Allele origin: germline.
Comment: This variant has not been reported in the literature but is present in the Genome Aggregation Database (Highest reported MAF 0.06% (29/41460). This variant is present in ClinVar (Variation ID:946601). Evolutionary conservation and computational predictive tools for this variant are unclear. In summary, data on this variant is insufficient for disease classification. Therefore, the clinical significance of this variant is uncertain.